The following is an entry in ClinVar:

NM_016239.4(MYO15A):c.2368_2378del (p.Ser790fs)

Gene: MYO15A (myosin XVA; plus strand). Cytogenetic location: 17p11.2.
Variant type: Deletion.
Coding change: c.2368_2378del on transcript NM_016239.4 (MANE Select); coding-DNA positions 2368 to 2378, 11 bases deleted (TCACCCTTGGC).
Protein change: p.Ser790fs; shifts the reading frame from serine 790.
Molecular consequence: frameshift variant.
Genome position (GRCh38, 1-based): chr17:18,121,168-18,121,178, TCACCCTTGGC deleted; deleting any 11 consecutive bases within chr17:18,121,166-18,121,178 gives the same sequence; the c. name uses the placement nearest the transcript's 3' end. VCF-style (leftmost placement, unchanged base first): chr17-18121165-TGCTCACCCTTG-T. GRCh37 (hg19) VCF-style: chr17-18024479-TGCTCACCCTTG-T.
Other names: short protein forms S790fs.
Identifiers: ClinVar variation 1360129 (VCV001360129.6), dbSNP rs2142254226, ClinGen allele CA2573153130.

ClinVar aggregate classification (germline): Pathogenic (1 of 4 stars; one submission).

Submission:

Labcorp Genetics (formerly Invitae), Labcorp
Classification: Pathogenic. Last evaluated: 2024-01-19. Review status: criteria provided, single submitter. Criteria: Invitae Variant Classification Sherloc (09022015). Collection method: clinical testing. Allele origin: germline.
Comment: This sequence change creates a premature translational stop signal (p.Ser790Alafs*186) in the MYO15A gene. It is expected to result in an absent or disrupted protein product. Loss-of-function variants in MYO15A are known to be pathogenic (PMID: 17546645). This variant is not present in population databases (gnomAD no frequency). This variant has not been reported in the literature in individuals affected with MYO15A-related conditions. ClinVar contains an entry for this variant (Variation ID: 1360129). For these reasons, this variant has been classified as Pathogenic.

Literature cited by the submitters: PubMed 17546645.